The following is an entry in ClinVar:

NM_016156.6(MTMR2):c.1106T>C (p.Ile369Thr)

Gene: MTMR2 (myotubularin related protein 2; minus strand). Cytogenetic location: 11q21.
Variant type: single nucleotide variant.
Coding change: c.1106T>C on transcript NM_016156.6 (MANE Select); coding-DNA position 1106, T replaced by C.
Protein change: p.Ile369Thr; replaces isoleucine 369 with threonine.
Molecular consequence: missense variant.
Genome position (GRCh38, 1-based): chr11:95,847,787, A>G on the plus strand (T>C on the coding strand, the complement: MTMR2 is on the minus strand). VCF-style: chr11-95847787-A-G. GRCh37 (hg19) VCF-style: chr11-95580951-A-G.
Other names: c.890T>C, p.Ile297Thr (NM_001243571.2, NM_201278.3, NM_201281.3); short protein forms I369T, I297T.
Identifiers: ClinVar variation 618724 (VCV000618724.22), dbSNP rs200083635, ClinGen allele CA6240101.

ClinVar aggregate classification (germline): Conflicting classifications of pathogenicity. Review status: criteria provided, conflicting classifications (1 of 4 stars). 5 submissions from 5 submitters: Uncertain significance (3); Likely benign (2). Last evaluated 2024-10-29.

Conditions:
Inborn genetic diseases. Identifiers: MedGen C0950123, MeSH D030342.
Charcot-Marie-Tooth disease type 4. Also called: Charcot-Marie-Tooth, Type 4; Charcot-Marie-Tooth disease, type IV. Identifiers: Orphanet 64749, MedGen C4082197, MONDO:0018995.
MTMR2-related disorder. Also called: MTMR2-related condition.

Allele frequency attached by ClinVar (database versions not stated): TOPMed 0.00001; gnomAD exomes 0.00009 and 0.00022; ExAC 0.00016; gnomAD 0.00018 and 0.00019.
gnomAD v4.1: 151 of 1,613,562 alleles (0.0094%); highest among the groups gnomAD compares: Non-Finnish European, 0.0015%; no homozygotes.

Submissions (5):

Blueprint Genetics
Classification: Uncertain significance. Last evaluated: 2024-10-29. Review status: criteria provided, single submitter. Criteria: ACMG Guidelines, 2015. Collection method: clinical testing. Allele origin: germline.

PreventionGenetics, part of Exact Sciences
Classification: Likely benign for MTMR2-related condition. Last evaluated: 2024-10-17. Review status: criteria provided, single submitter. Criteria: ACMG Guidelines, 2015. Collection method: clinical testing. Allele origin: germline.
Comment: This variant is classified as likely benign based on ACMG/AMP sequence variant interpretation guidelines (Richards et al. 2015 PMID: 25741868, with internal and published modifications).

Labcorp Genetics (formerly Invitae), Labcorp
Classification: Likely benign for Charcot-Marie-Tooth disease type 4. Last evaluated: 2024-04-13. Review status: criteria provided, single submitter. Criteria: Invitae Variant Classification Sherloc (09022015). Collection method: clinical testing. Allele origin: germline.

Ambry Genetics
Classification: Uncertain significance for Inborn genetic diseases. Last evaluated: 2019-12-23. Review status: criteria provided, single submitter. Criteria: Ambry Variant Classification Scheme 2023. Collection method: clinical testing. Allele origin: germline.
Comment: The p.I369T variant (also known as c.1106T>C), located in coding exon 10 of the MTMR2 gene, results from a T to C substitution at nucleotide position 1106. The isoleucine at codon 369 is replaced by threonine, an amino acid with similar properties. This amino acid position is well conserved in available vertebrate species. In addition, the in silico prediction for this alteration is inconclusive. Since supporting evidence is limited at this time, the clinical significance of this alteration remains unclear.

ARUP Laboratories, Molecular Genetics and Genomics, ARUP Laboratories
Classification: Uncertain significance. Last evaluated: 2017-08-23. Review status: criteria provided, single submitter. Criteria: ARUP Molecular Germline Variant Investigation Process. Collection method: clinical testing. Allele origin: germline.
Comment: The p.Ile369Thr variant has not been reported in the medical literature, is not listed in gene-specific variant databases, and is not listed in ClinVar. It is listed in the Genome Aggregation Database (gnomAD) browser with an allele frequency of 0.26% in the Finnish European population (identified in 66 out of 25,784 chromosomes). The isoleucine at codon 369 is moderately conserved considering 12 species (Alamut software v2.9.0), and computational analyses predict conflicting effects of this variant on protein structure/function (SIFT: tolerated, PolyPhen2: benign, MutationTaster: disease causing). Based on the available information, the clinical significance of the p.Ile369Thr variant cannot be determined with certainty.